The following is an entry in ClinVar:

NM_001904.4(CTNNB1):c.1999C>T (p.Pro667Ser)

Gene: CTNNB1 (catenin beta 1; plus strand). Cytogenetic location: 3p22.1.
Variant type: single nucleotide variant.
Coding change: c.1999C>T on transcript NM_001904.4 (MANE Select); coding-DNA position 1999, C replaced by T.
Protein change: p.Pro667Ser; replaces proline 667 with serine.
Molecular consequence: missense variant.
Genome position (GRCh38, 1-based): chr3:41,236,632, C>T. VCF-style: chr3-41236632-C-T. GRCh37 (hg19) VCF-style: chr3-41278123-C-T.
Other names: c.1999C>T, p.Pro667Ser (NM_001098209.2, NM_001098210.2, NM_001438871.1 and 4 more transcripts); c.1999C>T (NM_001904.3); c.1978C>T, p.Pro660Ser (NM_001330729.2); short protein forms P667S, P660S.
Identifiers: ClinVar variation 4961928 (VCV004961928.2).

ClinVar aggregate classification (germline): Uncertain significance. Review status: criteria provided, multiple submitters, no conflicts (2 of 4 stars). 2 submissions from 2 submitters: Uncertain significance (2). Last evaluated 2025-05-30.

Conditions:
CTNNB1-related disorder. Also called: CTNNB1-related condition.

Submissions (2):

PreventionGenetics, part of Exact Sciences
Classification: Uncertain significance for CTNNB1-related condition. Last evaluated: 2025-05-30. Review status: criteria provided, single submitter. Criteria: ACMG Guidelines, 2015. Collection method: clinical testing. Allele origin: germline.
Comment: The CTNNB1 c.1999C>T variant is predicted to result in the amino acid substitution p.Pro667Ser. To our knowledge, this variant has not been reported in the literature. This variant is reported in 0.0054% of alleles in individuals of East Asian descent in gnomAD. At this time, the clinical significance of this variant is uncertain due to the absence of conclusive functional and genetic evidence.

Blueprint Genetics
Classification: Uncertain significance. Last evaluated: 2021-06-02. Review status: criteria provided, single submitter. Criteria: ACMG Guidelines, 2015. Collection method: clinical testing. Allele origin: germline.